The following is an entry in ClinVar:

NM_001369.3(DNAH5):c.4896G>A (p.Trp1632Ter)

Genes: DNAH5 (dynein axonemal heavy chain 5; minus strand), LOC126807318 (MED14-independent group 3 enhancer GRCh37_chr5:13858976-13860175; plus strand). Cytogenetic location: 5p15.2.
Variant type: single nucleotide variant.
Coding change: c.4896G>A on transcript NM_001369.3 (MANE Select); coding-DNA position 4896, G replaced by A.
Protein change: p.Trp1632Ter; replaces tryptophan 1632 with a stop codon.
Molecular consequence: nonsense.
Genome position (GRCh38, 1-based): chr5:13,859,506, C>T on the plus strand (G>A on the coding strand, the complement: DNAH5 is on the minus strand). VCF-style: chr5-13859506-C-T. GRCh37 (hg19) VCF-style: chr5-13859615-C-T.
Other names: short protein forms W1632*.
Identifiers: ClinVar variation 1726572 (VCV001726572.3), dbSNP rs1056752324, ClinGen allele CA359219638.

ClinVar aggregate classification (germline): Pathogenic/Likely pathogenic. Review status: criteria provided, multiple submitters, no conflicts (2 of 4 stars). 2 submissions from 2 submitters: Pathogenic (1); Likely pathogenic (1). Last evaluated 2024-11-11.

Conditions:
Respiratory ciliopathies including non-CF bronchiectasis.
Primary ciliary dyskinesia 3. Identifiers: Orphanet 244, MedGen C1837618, MONDO:0012085, OMIM 608644.

Allele frequency attached by ClinVar (database versions not stated): gnomAD exomes below 0.00001.
gnomAD v4.1: 1 of 1,614,038 alleles (0.000062%); highest among the groups gnomAD compares: South Asian, 0.0011%; no homozygotes.

Submissions (2):

NHS Central & South Genomic Laboratory Hub
Classification: Pathogenic for Respiratory ciliopathies including non-CF bronchiectasis. Last evaluated: 2024-11-11. Review status: criteria provided, single submitter. Criteria: ACMG Guidelines, 2015. Collection method: clinical testing. Allele origin: germline. Affected: yes.

Myriad Genetics, Inc.
Classification: Likely pathogenic for Primary ciliary dyskinesia 3. Last evaluated: 2021-12-22. Review status: criteria provided, single submitter. Criteria: Myriad Women's Health Autosomal Recessive and X-Linked Classification Criteria (2021). Collection method: clinical testing. Allele origin: unknown.
Comment: NM_001369.2(DNAH5):c.4896G>A(W1632*) is expected to be pathogenic in the context of DNAH5-related primary ciliary dyskinesia. This variant is predicted to lead to an abnormal or absent protein product due to the creation of a premature termination codon in DNAH5, a gene where loss-of-function variants are known to be pathogenic. Please note: this variant was assessed in the context of healthy population screening.